The following is an entry in ClinVar:

NM_000260.4(MYO7A):c.2558G>T (p.Arg853Leu)

Gene: MYO7A (myosin VIIA; plus strand). Cytogenetic location: 11q13.5.
Variant type: single nucleotide variant.
Coding change: c.2558G>T on transcript NM_000260.4 (MANE Select); coding-DNA position 2558, G replaced by T.
Protein change: p.Arg853Leu; replaces arginine 853 with leucine.
Molecular consequence: missense variant.
Genome position (GRCh38, 1-based): chr11:77,179,925, G>T. VCF-style: chr11-77179925-G-T. GRCh37 (hg19) VCF-style: chr11-76890971-G-T.
Other names: c.2558G>T, p.Arg853Leu (NM_001127180.2); c.2525G>T, p.Arg842Leu (NM_001369365.1); short protein forms R853L, R842L.
Identifiers: ClinVar variation 429883 (VCV000429883.3), dbSNP rs111033437, ClinGen allele CA381942012.

ClinVar aggregate classification (germline): Uncertain significance. Review status: criteria provided, multiple submitters, no conflicts (2 of 4 stars). 2 submissions from 2 submitters: Uncertain significance (2). Last evaluated 2026-03-26.

Conditions:
MYO7A-related disorder. Also called: MYO7A-related disorders.

Submissions (2):

PreventionGenetics, part of Exact Sciences
Classification: Uncertain significance for MYO7A-related condition. Last evaluated: 2026-03-26. Review status: criteria provided, single submitter. Criteria: ACMG Guidelines, 2015. Collection method: clinical testing. Allele origin: germline.
Comment: The MYO7A c.2558G>T variant is predicted to result in the amino acid substitution p.Arg853Leu. This variant was reported in three individuals with autosomal dominant hearing loss from two families (Watanabe et al. 2024. PubMed ID: 38594301; Table S2, Usami et al. 2021. PubMed ID: 34599366). This variant has not been reported in a large population database (gnomAD), indicating this variant is rare. An alternative substitution (Leu) at this amino acid position has been observed in a patient with autosomal dominant hearing loss (Watanabe et al. 2024. PubMed ID: 38594301) and along with other relevant variants in another individual with hearing loss (Patient 61; Shearer et al. 2013. PubMed ID: 23804846). Although we suspect that this variant may be pathogenic, at this time, the clinical significance of this variant is uncertain due to the absence of conclusive functional and genetic evidence.

GeneDx
Classification: Uncertain significance. Last evaluated: 2017-05-15. Review status: criteria provided, single submitter. Criteria: GeneDx Variant Classification (06012015). Collection method: clinical testing. Allele origin: germline. Affected: yes.
Comment: The R853L variant in the MYO7A gene has not been reported previously as a pathogenic variant, nor as a benign variant, to our knowledge. The R853L variant is not observed in large population cohorts (Lek et al., 2016; 1000 Genomes Consortium et al., 2015; Exome Variant Server). The R853L variant is a non-conservative amino acid substitution, which is likely to impact secondary protein structure as these residues differ in polarity, charge, size and/or other properties. This substitution occurs at a position that is conserved across species. In silico analysis predicts this variant is probably damaging to the protein structure/function. We interpret R853L as a variant of uncertain significance.